The following is an entry in ClinVar:

ClinVar aggregate classification (germline): Uncertain significance (1 of 4 stars; one submission).

Submission:

Labcorp Genetics (formerly Invitae), Labcorp
Classification: Uncertain significance. Last evaluated: 2022-06-12. Review status: criteria provided, single submitter. Criteria: Invitae Variant Classification Sherloc (09022015). Collection method: clinical testing. Allele origin: germline.
Comment: In summary, the available evidence is currently insufficient to determine the role of this variant in disease. Therefore, it has been classified as a Variant of Uncertain Significance. Algorithms developed to predict the effect of missense changes on protein structure and function output the following: SIFT: "Tolerated"; PolyPhen-2: "Benign"; Align-GVGD: "Class C0". The leucine amino acid residue is found in multiple mammalian species, which suggests that this missense change does not adversely affect protein function. This variant has not been reported in the literature in individuals affected with ARHGEF10-related conditions. This variant is not present in population databases (gnomAD no frequency). This sequence change replaces methionine, which is neutral and non-polar, with leucine, which is neutral and non-polar, at codon 643 of the ARHGEF10 protein (p.Met643Leu).

NM_014629.4(ARHGEF10):c.1927A>T (p.Met643Leu)

Gene: ARHGEF10 (Rho guanine nucleotide exchange factor 10; plus strand). Cytogenetic location: 8p23.3.
Variant type: single nucleotide variant.
Coding change: c.1927A>T on transcript NM_014629.4 (MANE Select); coding-DNA position 1927, A replaced by T.
Protein change: p.Met643Leu; replaces methionine 643 with leucine.
Molecular consequence: missense variant.
Genome position (GRCh38, 1-based): chr8:1,905,676, A>T. VCF-style: chr8-1905676-A-T. GRCh37 (hg19) VCF-style: chr8-1853842-A-T.
Other names: c.1813A>T, p.Met605Leu (NM_001308152.2); c.1927A>T, p.Met643Leu (NM_001308153.3); short protein forms M605L, M643L, M667L.
Identifiers: ClinVar variation 2119334 (VCV002119334.4), dbSNP rs2537596975, ClinGen allele CA369961723.
Genomic context (GRCh38, chr8:1,905,676, plus strand): 5'-ATAGAAACAGTTTACAACGACAGAGGAGAGATTGTTAAAACCAAAGAACGCCGAGTCTTC[A>T]TGTTAAATGATGTGTTAATGTGTGCCACCGTCAGCTCACGGTAAGTGCATAAATTCTCTA-3'
Protein context (NP_055444.2, residues 633-653): IVKTKERRVF[Met643Leu]LNDVLMCATV